The following is an entry in ClinVar:

ClinVar aggregate classification (germline): Conflicting classifications of pathogenicity. Review status: criteria provided, conflicting classifications (1 of 4 stars). 3 submissions from 3 submitters: Uncertain significance (2); Likely benign (1). Last evaluated 2025-04-09.

Allele frequency attached by ClinVar (database versions not stated): ExAC 0.00001; gnomAD exomes 0.00003; gnomAD 0.00007; TOPMed 0.00007.
gnomAD v4.1: 60 of 1,614,120 alleles (0.0037%); highest among the groups gnomAD compares: Middle Eastern, 0.016%; no homozygotes.

Submissions (3):

Ambry Genetics
Classification: Uncertain significance. Last evaluated: 2025-04-09. Review status: criteria provided, single submitter. Criteria: Ambry Variant Classification Scheme 2023. Collection method: clinical testing. Allele origin: germline.

Blueprint Genetics
Classification: Likely benign. Last evaluated: 2023-12-14. Review status: criteria provided, single submitter. Criteria: ACMG Guidelines, 2015. Collection method: clinical testing. Allele origin: germline.

Labcorp Genetics (formerly Invitae), Labcorp
Classification: Uncertain significance. Last evaluated: 2022-10-14. Review status: criteria provided, single submitter. Criteria: Invitae Variant Classification Sherloc (09022015). Collection method: clinical testing. Allele origin: germline.
Comment: This sequence change replaces arginine, which is basic and polar, with histidine, which is basic and polar, at codon 251 of the KIAA0556 protein (p.Arg251His). This variant is present in population databases (rs775274156, gnomAD 0.02%). This variant has not been reported in the literature in individuals affected with KIAA0556-related conditions. Algorithms developed to predict the effect of missense changes on protein structure and function output the following: SIFT: "Tolerated"; PolyPhen-2: "Benign"; Align-GVGD: "Class C0". The histidine amino acid residue is found in multiple mammalian species, which suggests that this missense change does not adversely affect protein function. In summary, the available evidence is currently insufficient to determine the role of this variant in disease. Therefore, it has been classified as a Variant of Uncertain Significance.

NM_015202.5(KATNIP):c.752G>A (p.Arg251His)

Gene: KATNIP (katanin interacting protein; plus strand). Cytogenetic location: 16p12.1.
Variant type: single nucleotide variant.
Coding change: c.752G>A on transcript NM_015202.5 (MANE Select); coding-DNA position 752, G replaced by A.
Protein change: p.Arg251His; replaces arginine 251 with histidine.
Molecular consequence: missense variant.
Genome position (GRCh38, 1-based): chr16:27,677,940, G>A. VCF-style: chr16-27677940-G-A. GRCh37 (hg19) VCF-style: chr16-27689261-G-A.
Other names: c.752G>A (NM_015202.2); short protein forms R251H.
Identifiers: ClinVar variation 2053027 (VCV002053027.3), dbSNP rs775274156, ClinGen allele CA7977439.